The following is an entry in ClinVar:

NM_002609.4(PDGFRB):c.3282C>A (p.Cys1094Ter)

Gene: PDGFRB (platelet derived growth factor receptor beta; minus strand). Cytogenetic location: 5q32.
Variant type: single nucleotide variant.
Coding change: c.3282C>A on transcript NM_002609.4 (MANE Select); coding-DNA position 3282, C replaced by A.
Protein change: p.Cys1094Ter; replaces cysteine 1094 with a stop codon.
Molecular consequence: nonsense.
Genome position (GRCh38, 1-based): chr5:150,115,802, G>T on the plus strand (C>A on the coding strand, the complement: PDGFRB is on the minus strand). VCF-style: chr5-150115802-G-T. GRCh37 (hg19) VCF-style: chr5-149495365-G-T.
Other names: c.3090C>A, p.Cys1030Ter (NM_001355016.2); c.2799C>A, p.Cys933Ter (NM_001355017.2); short protein forms C1030*, C1094*, C933*.
Identifiers: ClinVar variation 4783003 (VCV004783003.1), dbSNP rs367604639.

ClinVar aggregate classification (germline): Uncertain significance (1 of 4 stars; one submission).

Conditions:
Skeletal overgrowth-craniofacial dysmorphism-hyperelastic skin-white matter lesions syndrome. Also called: SKELETAL OVERGROWTH WITH FACIAL DYSMORPHISM, HYPERELASTIC SKIN, WHITE MATTER LESIONS, AND NEUROLOGIC DETERIORATION; Kosaki overgrowth syndrome. Identifiers: Orphanet 477831, MedGen C4225270, MONDO:0014704, OMIM 616592.
Acroosteolysis-keloid-like lesions-premature aging syndrome. Also called: Premature aging syndrome, Penttinen type; Prematurely aged appearance, delayed bone maturation, acro-osteolysis, and brachydactyly; Progeroid syndrome, Penttinen type. Identifiers: Orphanet 363665, MedGen C1866182, MONDO:0011150, OMIM 601812.
Infantile myofibromatosis (IMF). Also called: Congenital generalized fibromatosis. Identifiers: Orphanet 2591, MedGen C0432284, MONDO:0016824.
Basal ganglia calcification, idiopathic, 4 (PFBC4). Also called: Familial Idiopathic Basal Ganglia Calcification 4; PRIMARY FAMILIAL BRAIN CALCIFICATION 4, AUTOSOMAL DOMINANT. Identifiers: Orphanet 1980, MedGen C3554321, MONDO:0014004, OMIM 615007.

gnomAD v4.1: 49 of 1,611,914 alleles (0.003%); highest among the groups gnomAD compares: Non-Finnish European, 0.0042%; no homozygotes.

Submission:

Labcorp Genetics (formerly Invitae), Labcorp
Classification: Uncertain significance for Basal ganglia calcification, idiopathic, 4; Skeletal overgrowth-craniofacial dysmorphism-hyperelastic skin-white matter lesions syndrome; Infantile myofibromatosis; Acroosteolysis-keloid-like lesions-premature aging syndrome. Last evaluated: 2025-05-09. Review status: criteria provided, single submitter. Criteria: Invitae Variant Classification Sherloc (09022015). Collection method: clinical testing. Allele origin: germline.
Comment: This sequence change creates a premature translational stop signal (p.Cys1094*) in the PDGFRB gene. While this is not anticipated to result in nonsense mediated decay, it is expected to disrupt the last 13 amino acid(s) of the PDGFRB protein. This variant is present in population databases (rs367604639, gnomAD 0.002%). This variant has not been reported in the literature in individuals affected with PDGFRB-related conditions. Experimental studies and prediction algorithms are not available or were not evaluated, and the functional significance of this variant is currently unknown. In summary, the available evidence is currently insufficient to determine the role of this variant in disease. Therefore, it has been classified as a Variant of Uncertain Significance.